The following is an entry in ClinVar:

ClinVar aggregate classification (germline): Likely benign. Review status: criteria provided, multiple submitters, no conflicts (2 of 4 stars). 2 submissions from 2 submitters: Likely benign (2). Last evaluated 2025-01-31.

Conditions:
ADCY1-related disorder. Also called: ADCY1-related condition.

Allele frequency attached by ClinVar (database versions not stated): gnomAD 0.00012; TOPMed 0.00012; ESP Exome Variant Server 0.00015.
gnomAD v4.1: 320 of 1,613,934 alleles (0.02%); highest among the groups gnomAD compares: Non-Finnish European, 0.024%; 1 homozygote.

Submissions (2):

PreventionGenetics, part of Exact Sciences
Classification: Likely benign for ADCY1-related condition. Last evaluated: 2025-01-31. Review status: criteria provided, single submitter. Criteria: ACMG Guidelines, 2015. Collection method: clinical testing. Allele origin: germline.
Comment: This variant is classified as likely benign based on ACMG/AMP sequence variant interpretation guidelines (Richards et al. 2015 PMID: 25741868, with internal and published modifications).

Labcorp Genetics (formerly Invitae), Labcorp
Classification: Likely benign. Last evaluated: 2025-01-08. Review status: criteria provided, single submitter. Criteria: Invitae Variant Classification Sherloc (09022015). Collection method: clinical testing. Allele origin: germline.

NM_021116.4(ADCY1):c.2526G>A (p.Pro842=)

Gene: ADCY1 (adenylate cyclase 1; plus strand). Cytogenetic location: 7p12.3.
Variant type: single nucleotide variant.
Coding change: c.2526G>A on transcript NM_021116.4 (MANE Select); coding-DNA position 2526, G replaced by A.
Protein change: p.Pro842=; no amino-acid change (proline 842 retained).
Molecular consequence: synonymous variant.
Genome position (GRCh38, 1-based): chr7:45,703,447, G>A. VCF-style: chr7-45703447-G-A. GRCh37 (hg19) VCF-style: chr7-45743046-G-A.
Other names: c.2526G>A (NM_021116.2).
Identifiers: ClinVar variation 2740138 (VCV002740138.4), dbSNP rs150225572, ClinGen allele CA4249265.